The following is an entry in ClinVar:

NM_000384.3(APOB):c.6308A>G (p.Asn2103Ser)

Gene: APOB (apolipoprotein B; minus strand). Cytogenetic location: 2p24.1.
Variant type: single nucleotide variant.
Coding change: c.6308A>G on transcript NM_000384.3 (MANE Select); coding-DNA position 6308, A replaced by G.
Protein change: p.Asn2103Ser; replaces asparagine 2103 with serine.
Molecular consequence: missense variant.
Genome position (GRCh38, 1-based): chr2:21,010,560, T>C on the plus strand (A>G on the coding strand, the complement: APOB is on the minus strand). VCF-style: chr2-21010560-T-C. GRCh37 (hg19) VCF-style: chr2-21233432-T-C.
Other names: short protein forms N2103S.
Identifiers: ClinVar variation 3308128 (VCV003308128.5), dbSNP rs1572783515.

ClinVar aggregate classification (germline): Uncertain significance. Review status: criteria provided, multiple submitters, no conflicts (2 of 4 stars). 3 submissions from 3 submitters: Uncertain significance (3). Last evaluated 2025-12-30.

Conditions:
APOB-related disorder. Also called: APOB-related condition; APOB-related disorders.
Cardiovascular phenotype. Identifiers: MedGen CN230736.
Familial hypobetalipoproteinemia 1. Also called: APOB-Related Familial Hypobetalipoproteinemia; Hypobetalipoproteinemia, normotriglyceridemic; Acanthocytosis with hypobetalipoproteinemia. Identifiers: MedGen C4551990, MONDO:0014252, OMIM 615558.
Hypercholesterolemia, autosomal dominant, type B (FHCL2). Also called: Familial Hypercholesterolemia Type B; APOLIPOPROTEIN B-100, FAMILIAL DEFECTIVE; APOLIPOPROTEIN B-100, FAMILIAL LIGAND-DEFECTIVE; HYPERCHOLESTEROLEMIA, FAMILIAL, DUE TO LIGAND-DEFECTIVE APOLIPOPROTEIN B; Familial hypercholesterolemia 2; APOB-Related Familial Hypercholesterolemia, Autosomal Dominant. Identifiers: MedGen C1704417, MONDO:0007751, OMIM 144010.

Allele frequency attached by ClinVar (database versions not stated): TOPMed below 0.00001; gnomAD 0.00001.
gnomAD v4.1: 1 of 1,613,192 alleles (0.000062%); highest among the groups gnomAD compares: Admixed American, 0.0017%; no homozygotes.

Submissions (3):

Ambry Genetics
Classification: Uncertain significance for Cardiovascular phenotype. Last evaluated: 2025-12-30. Review status: criteria provided, single submitter. Criteria: Ambry Variant Classification Scheme 2023. Collection method: clinical testing. Allele origin: germline.
Comment: The p.N2103S variant (also known as c.6308A>G), located in coding exon 26 of the APOB gene, results from an A to G substitution at nucleotide position 6308. The asparagine at codon 2103 is replaced by serine, an amino acid with highly similar properties. This amino acid position is conserved. In addition, this alteration is predicted to be tolerated by in silico analysis. Based on the available evidence, the clinical significance of this variant remains unclear.

PreventionGenetics, part of Exact Sciences
Classification: Uncertain significance for APOB-related condition. Last evaluated: 2025-03-20. Review status: criteria provided, single submitter. Criteria: ACMG Guidelines, 2015. Collection method: clinical testing. Allele origin: germline.
Comment: The APOB c.6308A>G variant is predicted to result in the amino acid substitution p.Asn2103Ser. To our knowledge, this variant has not been reported in the literature or in a large population database (gnomAD), indicating this variant is rare. At this time, the clinical significance of this variant is uncertain due to the absence of conclusive functional and genetic evidence.

Labcorp Genetics (formerly Invitae), Labcorp
Classification: Uncertain significance for Familial hypobetalipoproteinemia 1; Hypercholesterolemia, autosomal dominant, type B. Last evaluated: 2024-09-08. Review status: criteria provided, single submitter. Criteria: Invitae Variant Classification Sherloc (09022015). Collection method: clinical testing. Allele origin: germline.
Comment: This sequence change replaces asparagine, which is neutral and polar, with serine, which is neutral and polar, at codon 2103 of the APOB protein (p.Asn2103Ser). This variant is not present in population databases (gnomAD no frequency). This variant has not been reported in the literature in individuals affected with APOB-related conditions. Invitae Evidence Modeling of protein sequence and biophysical properties (such as structural, functional, and spatial information, amino acid conservation, physicochemical variation, residue mobility, and thermodynamic stability) indicates that this missense variant is not expected to disrupt APOB protein function with a negative predictive value of 95%. In summary, the available evidence is currently insufficient to determine the role of this variant in disease. Therefore, it has been classified as a Variant of Uncertain Significance.